The following is an entry in ClinVar:

NM_024529.5(CDC73):c.252T>A (p.Pro84=)

Gene: CDC73 (cell division cycle 73; plus strand). Cytogenetic location: 1q31.2.
Variant type: single nucleotide variant.
Coding change: c.252T>A on transcript NM_024529.5 (MANE Select); coding-DNA position 252, T replaced by A.
Protein change: p.Pro84=; no amino-acid change (proline 84 retained).
Molecular consequence: synonymous variant.
Genome position (GRCh38, 1-based): chr1:193,130,188, T>A. VCF-style: chr1-193130188-T-A. GRCh37 (hg19) VCF-style: chr1-193099318-T-A.
Identifiers: ClinVar variation 1792679 (VCV001792679.7), dbSNP rs1572146630, ClinGen allele CA422351274.
Genomic context (GRCh38, chr1:193,130,188, plus strand): 5'-TATCATTGTTATTCATTTCATATCTCATTTAAAATTTTGGTTTTAGACTGAAAATATTCC[T>A]GTGGTTAGAAGACCTGATCGAAAAGATCTACTTGGATATCTCAATGGTGAAGCGTGTGAG-3'
Protein context (NP_078805.3, residues 74-94): YVRRAATENI[Pro84=]VVRRPDRKDL

ClinVar aggregate classification (germline): Conflicting classifications of pathogenicity. Review status: criteria provided, conflicting classifications (1 of 4 stars). 2 submissions from 2 submitters: Uncertain significance (1); Likely benign (1). Last evaluated 2022-08-09.

Conditions:
Hereditary cancer-predisposing syndrome. Also called: Hereditary Cancer Syndrome; Hereditary neoplastic syndrome; Tumor predisposition; Neoplastic Syndromes, Hereditary. Identifiers: Orphanet 140162, MedGen C0027672, MeSH D009386, MONDO:0015356.
Parathyroid carcinoma (PRTC). Also called: Parathyroid gland carcinoma; CDC73-Related Parathyroid Carcinoma. Identifiers: Orphanet 143, MedGen C0687150, MONDO:0012004, OMIM 608266, HP:0006780.

Submissions (2):

Labcorp Genetics (formerly Invitae), Labcorp
Classification: Uncertain significance for Parathyroid carcinoma. Last evaluated: 2022-08-09. Review status: criteria provided, single submitter. Criteria: Invitae Variant Classification Sherloc (09022015). Collection method: clinical testing. Allele origin: germline.
Comment: This sequence change replaces proline, which is neutral and non-polar, with proline, which is neutral and non-polar, at codon 84 of the CDC73 protein (Silent). This variant is not present in population databases (gnomAD no frequency). This variant has not been reported in the literature in individuals affected with CDC73-related conditions. Algorithms developed to predict the effect of sequence changes on RNA splicing suggest that this variant is not likely to affect RNA splicing. In summary, the available evidence is currently insufficient to determine the role of this variant in disease. Therefore, it has been classified as a Variant of Uncertain Significance.

Ambry Genetics
Classification: Likely benign for Hereditary cancer-predisposing syndrome. Last evaluated: 2021-03-28. Review status: criteria provided, single submitter. Criteria: Ambry Variant Classification Scheme 2023. Collection method: clinical testing. Allele origin: germline.